The following is an entry in ClinVar:

ClinVar aggregate classification (germline): Pathogenic (1 of 4 stars; one submission).

Submission:

Quest Diagnostics Nichols Institute San Juan Capistrano
Classification: Pathogenic. Last evaluated: 2022-09-29. Review status: criteria provided, single submitter. Criteria: ACMG/ClinGen CNV Guidelines, 2019. Collection method: clinical testing. Allele origin: unknown.
Comment: The copy number loss of Xp21.1 involves multiple exons (NM_004006.3) of an intragenic portion of DMD (OMIM 300377). Pathogenic sequence and copy number variants in DMD are associated with a spectrum of muscle diseases known as dystrophinopathies, including Duchenne (OMIM 310200) and Becker (OMIM 300376) muscular dystrophy. Deletions involving the exons within the current interval have been reported in several affected individuals (Ankala 2012, Del Gaudio 2008, Nallamilli 2021, Saillour 2008, Yang 2019). Thus, based on current medical literature, this copy number variant (CNV) is classified as pathogenic. Confirmatory molecular testing is recommended for this variant. Ankala et al., Genome Res. 2012 Jan;22(1):25-34. PMID: 22090376 Del Gaudio et al., Hum Mutat. 2008 Sep;29(9):1100-7. PMID: 18752307 GeneReviews: [Internet]. Seattle (WA): University of Washington, Seattle; 1993. 2000 Sep 5 [updated 2022 Jan 20] PMID: 20301298 Nallamilli et al., Hum Mutat. 2021 May;42(5):626-638. PMID: 33644936 Saillour et al., Hum Mutat. 2008 Sep;29(9):1083-90. PMID: 18683213 Yang et al., J Zhejiang Univ Sci B. 2019;20(9):753-765. PMID: 31379145

GRCh37/hg19 Xp21.1(chrX:31917771-31976319)x0

Gene: DMD (dystrophin; minus strand). Cytogenetic location: Xp21.1.
Variant type: copy number loss.
Change: copy number 0 of chrX:31,917,771-31,976,319 (58.5 kb, GRCh37 coordinates, 1-based), cytogenetic band Xp21.1.
Identifiers: ClinVar variation 2684730 (VCV002684730.1).